The following is an entry in ClinVar:

ClinVar aggregate classification (germline): Uncertain significance (1 of 4 stars; one submission).

gnomAD v4.1: 6 of 1,340,380 alleles (0.00045%); highest among the groups gnomAD compares: Non-Finnish European, 0.00057%; no homozygotes.

Submission:

GeneDx
Classification: Uncertain significance. Last evaluated: 2026-02-17. Review status: criteria provided, single submitter. Criteria: GeneDx Variant Classification Process June 2021. Collection method: clinical testing. Allele origin: germline.
Comment: Not observed at significant frequency in large population cohorts (gnomAD); In silico analysis suggests that this missense variant does not alter protein structure/function; Has not been previously published as pathogenic or benign to our knowledge

NM_003098.3(SNTA1):c.193A>C (p.Asn65His)

Gene: SNTA1 (syntrophin alpha 1; minus strand). Cytogenetic location: 20q11.21.
Variant type: single nucleotide variant.
Coding change: c.193A>C on transcript NM_003098.3 (MANE Select); coding-DNA position 193, A replaced by C.
Protein change: p.Asn65His; replaces asparagine 65 with histidine.
Molecular consequence: missense variant.
Genome position (GRCh38, 1-based): chr20:33,443,428, T>G on the plus strand (A>C on the coding strand, the complement: SNTA1 is on the minus strand). VCF-style: chr20-33443428-T-G. GRCh37 (hg19) VCF-style: chr20-32031234-T-G.
Other names: c.193A>C, p.Asn65His (NM_001424413.1, NM_001424414.1); short protein forms N65H.
Identifiers: ClinVar variation 4976545 (VCV004976545.1).